The following is an entry in ClinVar:

ClinVar aggregate classification (germline): Pathogenic (1 of 4 stars; one submission).

Submission:

Labcorp Genetics (formerly Invitae), Labcorp
Classification: Pathogenic. Last evaluated: 2024-04-24. Review status: criteria provided, single submitter. Criteria: Invitae Variant Classification Sherloc (09022015). Collection method: clinical testing. Allele origin: germline.
Comment: This sequence change creates a premature translational stop signal (p.Asn639Thrfs*11) in the TUBGCP4 gene. It is expected to result in an absent or disrupted protein product. Loss-of-function variants in TUBGCP4 are known to be pathogenic (PMID: 25817018). This variant is not present in population databases (gnomAD no frequency). This variant has not been reported in the literature in individuals affected with TUBGCP4-related conditions. ClinVar contains an entry for this variant (Variation ID: 2124309). For these reasons, this variant has been classified as Pathogenic.

Literature cited by the submitters: PubMed 25817018.

NM_014444.5(TUBGCP4):c.1911del (p.Asn638fs)

Genes: TUBGCP4 (tubulin gamma complex component 4; plus strand), TP53BP1 (tumor protein p53 binding protein 1; minus strand). Cytogenetic location: 15q15.3.
Variant type: Deletion.
Coding change: c.1911del on transcript NM_014444.5 (MANE Select); coding-DNA position 1911, one base deleted (C; older notation c.1911delC).
Protein change: p.Asn638fs; shifts the reading frame from asparagine 638.
Molecular consequence: frameshift variant. On other transcripts: 3 prime UTR variant (5).
Genome position (GRCh38, 1-based): chr15:43,404,475, C deleted. VCF-style (leftmost placement, unchanged base first): chr15-43404474-TC-T. GRCh37 (hg19) VCF-style: chr15-43696672-TC-T.
Other names: c.1914del, p.Asn639fs (NM_001286414.3); c.*2908del (NM_001141979.3, NM_001141980.3, NM_001355001.2 and 2 more transcripts); short protein forms N639fs, N638fs.
Identifiers: ClinVar variation 2124309 (VCV002124309.4), dbSNP rs2543112047, ClinGen allele CA2580089443.
Genomic context (GRCh38, chr15:43,404,474, plus strand): 5'-GCTTTAGCCGCCAGTCTTCACTCCTGTTCAAGATTCTCTCCAGTGTTCGGAATCATCAGA[TC>T]AACTCAGATTTGGCTCAACTACTGTTACGACTAGATTATAACAAATACTATACCCAGGCT-3'